The following is an entry in ClinVar:

NM_173531.4(ZNF100):c.1143T>C (p.Ala381=)

Gene: ZNF100 (zinc finger protein 100; minus strand). Cytogenetic location: 19p12.
Variant type: single nucleotide variant.
Coding change: c.1143T>C on transcript NM_173531.4 (MANE Select); coding-DNA position 1143, T replaced by C.
Protein change: p.Ala381=; no amino-acid change (alanine 381 retained).
Molecular consequence: synonymous variant.
Genome position (GRCh38, 1-based): chr19:21,727,169, A>G on the plus strand (T>C on the coding strand, the complement: ZNF100 is on the minus strand). VCF-style: chr19-21727169-A-G. GRCh37 (hg19) VCF-style: chr19-21909971-A-G.
Other names: c.1140T>C, p.Ala380= (NM_001351669.2); c.1044T>C, p.Ala348= (NM_001351670.2); c.840T>C, p.Ala280= (NM_001351671.2); c.498T>C, p.Ala166= (NM_001351672.2).
Identifiers: ClinVar variation 3898218 (VCV003898218.7).

ClinVar aggregate classification (germline): Likely benign (1 of 4 stars; one submission).

Submission:

CeGaT Center for Human Genetics Tuebingen
Classification: Likely benign. Last evaluated: 2025-04-01. Review status: criteria provided, single submitter. Criteria: CeGaT Center For Human Genetics Tuebingen Variant Classification Criteria Version 2. Collection method: clinical testing. Allele origin: germline. Affected: yes. Observed: 1 variant allele.
Comment: ZNF100: PM2:Supporting, BP4, BP7